The following is an entry in ClinVar:

ClinVar aggregate classification (germline): Uncertain significance. Review status: criteria provided, multiple submitters, no conflicts (2 of 4 stars). 2 submissions from 2 submitters: Uncertain significance (2). Last evaluated 2024-04-08.

Allele frequency attached by ClinVar (database versions not stated): TOPMed 0.00001.
gnomAD v4.1: 2 of 1,614,032 alleles (0.00012%); highest among the groups gnomAD compares: East Asian, 0.0022%; no homozygotes.

Submissions (2):

Labcorp Genetics (formerly Invitae), Labcorp
Classification: Uncertain significance. Last evaluated: 2024-04-08. Review status: criteria provided, single submitter. Criteria: Invitae Variant Classification Sherloc (09022015). Collection method: clinical testing. Allele origin: germline.
Comment: This sequence change replaces proline, which is neutral and non-polar, with leucine, which is neutral and non-polar, at codon 1461 of the TECTA protein (p.Pro1461Leu). This variant is present in population databases (no rsID available, gnomAD 0.003%). This variant has not been reported in the literature in individuals affected with TECTA-related conditions. ClinVar contains an entry for this variant (Variation ID: 500056). Advanced modeling of protein sequence and biophysical properties (such as structural, functional, and spatial information, amino acid conservation, physicochemical variation, residue mobility, and thermodynamic stability) performed at Invitae indicates that this missense variant is not expected to disrupt TECTA protein function with a negative predictive value of 95%. In summary, the available evidence is currently insufficient to determine the role of this variant in disease. Therefore, it has been classified as a Variant of Uncertain Significance.

Eurofins Ntd Llc (ga)
Classification: Uncertain significance. Last evaluated: 2017-02-06. Review status: criteria provided, single submitter. Criteria: EGL Classification Definitions 2015. Collection method: clinical testing. Allele origin: germline. Observed: 1 variant allele, 1 heterozygote.

NM_005422.4(TECTA):c.4382C>T (p.Pro1461Leu)

Genes: TBCEL-TECTA (TBCEL-TECTA readthrough; plus strand), TECTA (tectorin alpha; plus strand). Cytogenetic location: 11q23.3.
Variant type: single nucleotide variant.
Coding change: c.4382C>T on transcript NM_005422.4 (MANE Select); coding-DNA position 4382, C replaced by T.
Protein change: p.Pro1461Leu; replaces proline 1461 with leucine.
Molecular consequence: missense variant.
Genome position (GRCh38, 1-based): chr11:121,157,917, C>T. VCF-style: chr11-121157917-C-T. GRCh37 (hg19) VCF-style: chr11-121028626-C-T.
Other names: c.5339C>T, p.Pro1780Leu (NM_001378761.1); short protein forms P1461L, P1780L.
Identifiers: ClinVar variation 500056 (VCV000500056.7), dbSNP rs920381859, ClinGen allele CA229844070.
Genomic context (GRCh38, chr11:121,157,917, plus strand): 5'-GGAACAGCGACTGCACGCGGCGCTGCCGCTGTTTCCGTCGCAACGTGATTCAGTGCGACC[C>T]GCGCCAATGCAAGTCAGACGAGGAGTGTGCGCTGCGCAACGGGGTGCGCGGCTGCTTCAG-3'
Protein context (NP_005413.2, residues 1451-1471): CFRRNVIQCD[Pro1461Leu]RQCKSDEECA